The following is an entry in ClinVar:

NM_030662.4(MAP2K2):c.1043_1046del (p.Lys348fs)

Gene: MAP2K2 (mitogen-activated protein kinase kinase 2; minus strand). Cytogenetic location: 19p13.3.
Variant type: Deletion.
Coding change: c.1043_1046del on transcript NM_030662.4 (MANE Select); coding-DNA positions 1043 to 1046, 4 bases deleted (AATG; older notation c.1043_1046delAATG).
Protein change: p.Lys348fs; shifts the reading frame from lysine 348.
Molecular consequence: frameshift variant.
Genome position (GRCh38, 1-based): chr19:4,095,388-4,095,391, CATT deleted on the plus strand (AATG on the coding strand, the reverse complement: MAP2K2 is on the minus strand). VCF-style (leftmost placement, unchanged base first): chr19-4095387-CCATT-C. GRCh37 (hg19) VCF-style: chr19-4095385-CCATT-C.
Other names: short protein forms K348fs.
Identifiers: ClinVar variation 2123037 (VCV002123037.4), dbSNP rs2512303554, ClinGen allele CA2580096984.

ClinVar aggregate classification (germline): Uncertain significance (1 of 4 stars; one submission).

Conditions:
RASopathy. Also called: rasopathies; Noonan spectrum disorder. Identifiers: Orphanet 536391, MedGen C5555857, MONDO:0021060.

Submission:

Labcorp Genetics (formerly Invitae), Labcorp
Classification: Uncertain significance for RASopathy. Last evaluated: 2022-04-08. Review status: criteria provided, single submitter. Criteria: Invitae Variant Classification Sherloc (09022015). Collection method: clinical testing. Allele origin: germline.
Comment: This variant is not present in population databases (gnomAD no frequency). This sequence change creates a premature translational stop signal (p.Lys348Thrfs*12) in the MAP2K2 gene. While this is not anticipated to result in nonsense mediated decay, it is expected to disrupt the last 53 amino acid(s) of the MAP2K2 protein. This variant has not been reported in the literature in individuals affected with MAP2K2-related conditions. In summary, the available evidence is currently insufficient to determine the role of this variant in disease. Therefore, it has been classified as a Variant of Uncertain Significance. Algorithms developed to predict the effect of sequence changes on RNA splicing suggest that this variant may disrupt the consensus splice site. Experimental studies and prediction algorithms are not available or were not evaluated, and the functional significance of this variant is currently unknown.